The following is an entry in ClinVar:

ClinVar aggregate classification (germline): Uncertain significance (1 of 4 stars; one submission).

Submission:

Labcorp Genetics (formerly Invitae), Labcorp
Classification: Uncertain significance. Last evaluated: 2022-02-11. Review status: criteria provided, single submitter. Criteria: Invitae Variant Classification Sherloc (09022015). Collection method: clinical testing. Allele origin: germline.
Comment: This sequence change replaces phenylalanine, which is neutral and non-polar, with isoleucine, which is neutral and non-polar, at codon 1213 of the COL7A1 protein (p.Phe1213Ile). This variant is not present in population databases (gnomAD no frequency). This variant has not been reported in the literature in individuals affected with COL7A1-related conditions. Advanced modeling of protein sequence and biophysical properties (such as structural, functional, and spatial information, amino acid conservation, physicochemical variation, residue mobility, and thermodynamic stability) performed at Invitae indicates that this missense variant is expected to disrupt COL7A1 protein function. In summary, the available evidence is currently insufficient to determine the role of this variant in disease. Therefore, it has been classified as a Variant of Uncertain Significance.

NM_000094.4(COL7A1):c.3637T>A (p.Phe1213Ile)

Gene: COL7A1 (collagen type VII alpha 1 chain; minus strand). Cytogenetic location: 3p21.31.
Variant type: single nucleotide variant.
Coding change: c.3637T>A on transcript NM_000094.4 (MANE Select); coding-DNA position 3637, T replaced by A.
Protein change: p.Phe1213Ile; replaces phenylalanine 1213 with isoleucine.
Molecular consequence: missense variant.
Genome position (GRCh38, 1-based): chr3:48,586,160, A>T on the plus strand (T>A on the coding strand, the complement: COL7A1 is on the minus strand). VCF-style: chr3-48586160-A-T. GRCh37 (hg19) VCF-style: chr3-48623593-A-T.
Other names: short protein forms F1213I.
Identifiers: ClinVar variation 2096325 (VCV002096325.1), dbSNP rs1391905073, ClinGen allele CA352703191.